The following is an entry in ClinVar:

NM_002641.4(PIGA):c.1348A>G (p.Ile450Val)

Gene: PIGA (phosphatidylinositol glycan anchor biosynthesis class A; minus strand). Cytogenetic location: Xp22.2.
Variant type: single nucleotide variant.
Coding change: c.1348A>G on transcript NM_002641.4 (MANE Select); coding-DNA position 1348, A replaced by G.
Protein change: p.Ile450Val; replaces isoleucine 450 with valine.
Molecular consequence: missense variant. On other transcripts: non-coding transcript variant (2).
Genome position (GRCh38, 1-based): chrX:15,321,613, T>C on the plus strand (A>G on the coding strand, the complement: PIGA is on the minus strand). VCF-style: chrX-15321613-T-C. GRCh37 (hg19) VCF-style: chrX-15339735-T-C.
Other names: c.646A>G, p.Ile216Val (NM_020473.3); short protein forms I450V, I216V.
Identifiers: ClinVar variation 2016631 (VCV002016631.5), dbSNP rs2519321656, ClinGen allele CA412334074.
Genomic context (GRCh38, chrX:15,321,613, plus strand): 5'-GAGAATAGTTATTAGTCCAGGCACCCCGTGGCCCAGTGGCATCTATTGCAACATCAATGA[T>C]AGAATCTGGAGTCATCCATCTCAAGAAAATGAGGAAGAGGAAGTTGAAAACTGCCAACAA-3'
Protein context (NP_002632.1, residues 440-460): IFLRWMTPDS[Ile450Val]IDVAIDATGP

ClinVar aggregate classification (germline): Conflicting classifications of pathogenicity. Review status: criteria provided, conflicting classifications (1 of 4 stars). 2 submissions from 2 submitters: Uncertain significance (1); Likely benign (1). Last evaluated 2023-02-01.

Conditions:
Multiple congenital anomalies-hypotonia-seizures syndrome 2 (MCAHS2). Also called: GLYCOSYLPHOSPHATIDYLINOSITOL BIOSYNTHESIS DEFECT 4; EPILEPTIC ENCEPHALOPATHY, EARLY INFANTILE, 20. Identifiers: Orphanet 300496, MedGen C3275508, MONDO:0010466, OMIM 300868.

Submissions (2):

Blueprint Genetics
Classification: Likely benign. Last evaluated: 2023-02-01. Review status: criteria provided, single submitter. Criteria: ACMG Guidelines, 2015. Collection method: clinical testing. Allele origin: germline.

Labcorp Genetics (formerly Invitae), Labcorp
Classification: Uncertain significance for Multiple congenital anomalies-hypotonia-seizures syndrome 2. Last evaluated: 2022-07-13. Review status: criteria provided, single submitter. Criteria: Invitae Variant Classification Sherloc (09022015). Collection method: clinical testing. Allele origin: germline.
Comment: This variant is not present in population databases (gnomAD no frequency). In summary, the available evidence is currently insufficient to determine the role of this variant in disease. Therefore, it has been classified as a Variant of Uncertain Significance. Algorithms developed to predict the effect of missense changes on protein structure and function output the following: SIFT: "Tolerated"; PolyPhen-2: "Benign"; Align-GVGD: "Class C0". The valine amino acid residue is found in multiple mammalian species, which suggests that this missense change does not adversely affect protein function. This variant has not been reported in the literature in individuals affected with PIGA-related conditions. This sequence change replaces isoleucine, which is neutral and non-polar, with valine, which is neutral and non-polar, at codon 450 of the PIGA protein (p.Ile450Val).